The following is an entry in ClinVar:

ClinVar aggregate classification (germline): Uncertain significance (1 of 4 stars; one submission).

Conditions:
Isolated microphthalmia 4. Identifiers: Orphanet 2542, MedGen C2751307, MONDO:0013130, OMIM 613094.
Klippel-Feil syndrome 1, autosomal dominant (KFS1). Also called: CERVICAL VERTEBRAL FUSION, AUTOSOMAL DOMINANT. Identifiers: Orphanet 2345, MedGen C1861689, MONDO:0007306, OMIM 118100.
Microphthalmia, isolated, with coloboma 6 (MCOPCB6). Also called: MICROPHTHALMIA/COLOBOMA 6; Microphthalmia with coloboma 6, digenic; Microphthalmia with coloboma 6. Identifiers: Orphanet 98938, MedGen C3150968, MONDO:0013376, OMIM 613703.
Leber congenital amaurosis 17 (LCA17). Identifiers: Orphanet 65, MedGen C3715164, MONDO:0014145, OMIM 615360.

gnomAD v4.1: 8 of 1,515,410 alleles (0.00053%); highest among the groups gnomAD compares: Admixed American, 0.002%; no homozygotes.

Submission:

Labcorp Genetics (formerly Invitae), Labcorp
Classification: Uncertain significance for Isolated microphthalmia 4; Leber congenital amaurosis 17; Klippel-Feil syndrome 1, autosomal dominant; Microphthalmia, isolated, with coloboma 6. Last evaluated: 2022-07-30. Review status: criteria provided, single submitter. Criteria: Invitae Variant Classification Sherloc (09022015). Collection method: clinical testing. Allele origin: germline.
Comment: The frequency data for this variant in the population databases is considered unreliable, as metrics indicate poor data quality at this position in the gnomAD database. In summary, the available evidence is currently insufficient to determine the role of this variant in disease. Therefore, it has been classified as a Variant of Uncertain Significance. Algorithms developed to predict the effect of missense changes on protein structure and function are either unavailable or do not agree on the potential impact of this missense change (SIFT: "Deleterious"; PolyPhen-2: "Benign"; Align-GVGD: "Class C0"). ClinVar contains an entry for this variant (Variation ID: 1417427). This variant has not been reported in the literature in individuals affected with GDF6-related conditions. This sequence change replaces arginine, which is basic and polar, with tryptophan, which is neutral and slightly polar, at codon 270 of the GDF6 protein (p.Arg270Trp).

NM_001001557.4(GDF6):c.808C>T (p.Arg270Trp)

Gene: GDF6 (growth differentiation factor 6; minus strand). Cytogenetic location: 8q22.1.
Variant type: single nucleotide variant.
Coding change: c.808C>T on transcript NM_001001557.4 (MANE Select); coding-DNA position 808, C replaced by T.
Protein change: p.Arg270Trp; replaces arginine 270 with tryptophan.
Molecular consequence: missense variant.
Genome position (GRCh38, 1-based): chr8:96,145,123, G>A on the plus strand (C>T on the coding strand, the complement: GDF6 is on the minus strand). VCF-style: chr8-96145123-G-A. GRCh37 (hg19) VCF-style: chr8-97157351-G-A.
Other names: short protein forms R270W.
Identifiers: ClinVar variation 1417427 (VCV001417427.8), dbSNP rs866273025, ClinGen allele CA181485034.